The following is an entry in ClinVar:

NM_001267550.2(TTN):c.3409G>C (p.Gly1137Arg)

Gene: TTN (titin; minus strand). Cytogenetic location: 2q31.2.
Variant type: single nucleotide variant.
Coding change: c.3409G>C on transcript NM_001267550.2 (MANE Select); coding-DNA position 3409, G replaced by C.
Protein change: p.Gly1137Arg; replaces glycine 1137 with arginine.
Molecular consequence: missense variant.
Genome position (GRCh38, 1-based): chr2:178,781,235, C>G on the plus strand (G>C on the coding strand, the complement: TTN is on the minus strand). VCF-style: chr2-178781235-C-G. GRCh37 (hg19) VCF-style: chr2-179645962-C-G.
Other names: p.G1137R:GGT>CGT; c.3409G>C, p.Gly1137Arg (NM_001256850.1, NM_133378.4, NM_133379.5); c.3271G>C, p.Gly1091Arg (NM_003319.4, NM_133432.3, NM_133437.4); short protein forms G1137R, G1091R.
Identifiers: ClinVar variation 46949 (VCV000046949.75), dbSNP rs72647870, ClinGen allele CA139607.
Genomic context (GRCh38, chr2:178,781,235, plus strand): 5'-CAATAGTGTATTCTCCAGCATCATCAGCAAAAGTCATAGAAATCACCAGCTTGCATTCAC[C>G]GGTTTGTTTGTTGTAACTCACTTTGTATCTTTATGTAAATGTACAAAATTTAAAAATCAG-3'
Protein context (NP_001254479.2, residues 1127-1147): RYKVSYNKQT[Gly1137Arg]ECKLVISMTF

ClinVar aggregate classification (germline): Conflicting classifications of pathogenicity. Review status: criteria provided, conflicting classifications (1 of 4 stars). 20 submissions from 16 submitters: Uncertain significance (1); Benign (6); Likely benign (13). Last evaluated 2026-09-01.

Conditions:
Cardiovascular phenotype. Identifiers: MedGen CN230736.
Autosomal recessive limb-girdle muscular dystrophy type 2J (LGMDR10). Also called: MUSCULAR DYSTROPHY, LIMB-GIRDLE, AUTOSOMAL RECESSIVE 10; Limb-girdle muscular dystrophy, type 2J. Identifiers: Orphanet 140922, MedGen C1837342, MONDO:0012127, OMIM 608807.
Dilated cardiomyopathy 1G (CMD1G). Identifiers: Orphanet 154, MedGen C1858763, MONDO:0011400, OMIM 604145.
Cardiomyopathy (CMYO). Also called: Cardiomyopathies. Identifiers: Orphanet 167848, MedGen C0878544, MONDO:0004994, HP:0001638. Inheritance: Various modes of inheritance.
Early-onset myopathy with fatal cardiomyopathy (CMYO5). Also called: CONGENITAL MYOPATHY 5 WITH CARDIOMYOPATHY; Salih Myopathy. Identifiers: Orphanet 289377, MedGen C2673677, MONDO:0012714, OMIM 611705. Disease mechanism: loss of function.
Myopathy, myofibrillar, 9, with early respiratory failure (MFM9). Also called: Myopathy, distal, with early respiratory failure, autosomal dominant; Hereditary myopathy with early respiratory failure; EDSTROM MYOPATHY; MYOPATHY, PROXIMAL, WITH EARLY RESPIRATORY MUSCLE INVOLVEMENT. Identifiers: Orphanet 178464, Orphanet 34521, MedGen C1863599, MONDO:0011362, OMIM 603689.
Tibial muscular dystrophy (TMD). Also called: Tibial muscular dystrophy, tardive; Udd Distal Myopathy – Tibial Muscular Dystrophy; UDD MYOPATHY. Identifiers: Orphanet 609, MedGen C1838244, MONDO:0010870, OMIM 600334.
Hypertrophic cardiomyopathy. Also called: HYPERTROPHIC MYOCARDIOPATHY. Identifiers: Orphanet 217569, MedGen C0007194, MeSH D002312, MONDO:0005045, HP:0001639.

Allele frequency attached by ClinVar (database versions not stated): ESP Exome Variant Server 0.00300; 1000 Genomes Project 0.00100; 1000 Genomes Project 30x 0.00109; TOPMed 0.00197; gnomAD 0.00293.
gnomAD v4.1: 4,869 of 1,613,956 alleles (0.3%); highest among the groups gnomAD compares: Non-Finnish European, 0.36%; 10 homozygotes.

Submissions (20):

CeGaT Center for Human Genetics Tuebingen
Classification: Likely benign. Last evaluated: 2026-09-01. Review status: criteria provided, single submitter. Criteria: CeGaT Center For Human Genetics Tuebingen Variant Classification Criteria Version 2. Collection method: clinical testing. Allele origin: germline. Affected: yes. Observed: 54 variant alleles.
Comment: TTN: BS2

Labcorp Genetics (formerly Invitae), Labcorp
Classification: Likely benign for Dilated cardiomyopathy 1G; Autosomal recessive limb-girdle muscular dystrophy type 2J. Last evaluated: 2026-02-03. Review status: criteria provided, single submitter. Criteria: Invitae Variant Classification Sherloc (09022015). Collection method: clinical testing. Allele origin: germline.

ARUP Laboratories, Molecular Genetics and Genomics, ARUP Laboratories
Classification: Likely benign. Last evaluated: 2025-06-05. Review status: criteria provided, single submitter. Criteria: ARUP Molecular Germline Variant Investigation Process 2024. Collection method: clinical testing. Allele origin: germline.

Molecular Diagnostic Laboratory for Inherited Cardiovascular Disease, Montreal Heart Institute
Classification: Likely benign. Last evaluated: 2025-04-09. Review status: criteria provided, single submitter. Criteria: ACMG Guidelines, 2015. Collection method: clinical testing. Allele origin: germline. Affected: no.

Mayo Clinic Laboratories, Mayo Clinic
Classification: Likely benign. Last evaluated: 2024-12-31. Review status: criteria provided, single submitter. Criteria: ACMG Guidelines, 2015. Collection method: clinical testing. Allele origin: germline. Observed: 7 variant alleles.
Comment: BS1, BP1

Blueprint Genetics
Classification: Likely benign. Last evaluated: 2024-11-26. Review status: criteria provided, single submitter. Criteria: ACMG Guidelines, 2015. Collection method: clinical testing. Allele origin: germline.

Women's Health and Genetics/Laboratory Corporation of America, LabCorp
Classification: Benign. Last evaluated: 2021-08-05. Review status: criteria provided, single submitter. Criteria: LabCorp Variant Classification Summary - May 2015. Collection method: clinical testing. Allele origin: germline.
Comment: Variant summary: TTN c.3409G>C (p.Gly1137Arg) results in a non-conservative amino acid change located in the near Z-disk region of the encoded protein sequence. Five of five in-silico tools predict a damaging effect of the variant on protein function. The variant allele was found at a frequency of 0.0022 in 395852 control chromosomes in the gnomAD database (v2.1 and v3.1 datasets), including 1 homozygote. The observed variant frequency is approximately 5.75 fold of the estimated maximal expected allele frequency for a pathogenic variant in TTN causing Dilated Cardiomyopathy phenotype (0.00039), strongly suggesting that the variant is benign. c.3409G>C has been reported in the literature in individuals affected with individuals affected with hypertrophic cardiomyopathy and sudden unexplained death, however in at least one of these patients co-occurring potentially pathogenic variant(s) could explain the phenotype (Lopes_2013, Campuzano_2015). These reports do not support the association of the variant with Dilated Cardiomyopathy. To our knowledge, no experimental evidence demonstrating an impact on protein function has been reported. Eight other submitters have provided clinical-significance assessments for this variant in ClinVar after 2014 without evidence for independent evaluation, and classified the variant as VUS (1x), likely benign (6x) / benign (1x). Based on the evidence outlined above, the variant was classified as benign.

CHEO Genetics Diagnostic Laboratory, Children's Hospital of Eastern Ontario
Classification: Benign for Cardiomyopathy. Last evaluated: 2019-08-30. Review status: criteria provided, single submitter. Criteria: ACMG Guidelines, 2015. Collection method: clinical testing. Allele origin: germline.

Ambry Genetics
Classification: Likely benign for Cardiovascular phenotype. Last evaluated: 2019-02-07. Review status: criteria provided, single submitter. Criteria: Ambry Autosomal Dominant and X-Linked criteria (3/2017). Collection method: clinical testing. Allele origin: germline. Observed: 1 variant allele.
Comment: Other strong data supporting benign classification

Center for Advanced Laboratory Medicine, UC San Diego Health, University of California San Diego
Classification: Likely benign for Hypertrophic cardiomyopathy. Last evaluated: 2017-07-06. Review status: criteria provided, single submitter. Criteria: ACMG Guidelines, 2015. Collection method: clinical testing. Allele origin: germline. Affected: yes. Observed: 2 variant alleles.

Illumina Laboratory Services, Illumina
Classification: Uncertain significance for Early-onset myopathy with fatal cardiomyopathy. Last evaluated: 2017-04-27. Review status: criteria provided, single submitter. Criteria: ICSL Variant Classification Criteria 13 December 2019. Collection method: clinical testing. Allele origin: germline.

Illumina Laboratory Services, Illumina
Classification: Benign for Autosomal recessive limb-girdle muscular dystrophy type 2J. Last evaluated: 2017-04-27. Review status: criteria provided, single submitter. Criteria: ICSL Variant Classification Criteria 13 December 2019. Collection method: clinical testing. Allele origin: germline.
Comment: This variant was observed as part of a predisposition screen in an ostensibly healthy population. A literature search was performed for the gene, cDNA change, and amino acid change (where applicable). No publications were found based on this search. Allele frequency data from public databases was too high to be consistent with this variant causing disease. Therefore, this variant is classified as benign.

Illumina Laboratory Services, Illumina
Classification: Benign for Tibial muscular dystrophy. Last evaluated: 2017-04-27. Review status: criteria provided, single submitter. Criteria: ICSL Variant Classification Criteria 13 December 2019. Collection method: clinical testing. Allele origin: germline.
Comment: the same text as in the submission from Illumina Laboratory Services, Illumina above.

Illumina Laboratory Services, Illumina
Classification: Likely benign for Dilated cardiomyopathy 1G. Last evaluated: 2017-04-27. Review status: criteria provided, single submitter. Criteria: ICSL Variant Classification Criteria 13 December 2019. Collection method: clinical testing. Allele origin: germline.
Comment: This variant was observed as part of a predisposition screen in an ostensibly healthy population. A literature search was performed for the gene, cDNA change, and amino acid change (where applicable). No publications were found based on this search. Allele frequency data from public databases allowed determination this variant is unlikely to cause disease. Therefore, this variant is classified as likely benign.

Illumina Laboratory Services, Illumina
Classification: Benign for Myopathy, myofibrillar, 9, with early respiratory failure. Last evaluated: 2017-04-27. Review status: criteria provided, single submitter. Criteria: ICSL Variant Classification Criteria 13 December 2019. Collection method: clinical testing. Allele origin: germline.
Comment: the same text as in the submission from Illumina Laboratory Services, Illumina above.

GeneDx
Classification: Benign. Last evaluated: 2017-01-13. Review status: criteria provided, single submitter. Criteria: GeneDx Variant Classification (06012015). Collection method: clinical testing. Allele origin: germline. Affected: yes.
Comment: This variant is considered likely benign or benign based on one or more of the following criteria: it is a conservative change, it occurs at a poorly conserved position in the protein, it is predicted to be benign by multiple in silico algorithms, and/or has population frequency not consistent with disease.

Eurofins Ntd Llc (ga)
Classification: Likely benign. Last evaluated: 2015-06-11. Review status: criteria provided, single submitter. Criteria: EGL Classification Definitions 2015. Collection method: clinical testing. Allele origin: germline. Observed: 1 variant allele.

Laboratory for Molecular Medicine, Mass General Brigham Personalized Medicine
Classification: Likely benign. Last evaluated: 2014-12-30. Review status: criteria provided, single submitter. Criteria: LMM Criteria. Collection method: clinical testing. Allele origin: germline. Observed: 15 variant alleles.
Comment: p.Gly1137Arg in exon 21 of TTN: This variant is not expected to have clinical si gnificance because it has been identified in 0.3% (230/67514) of European chromo somes by the Exome Aggregation Consortium (ExAC; dbSNP rs72647870).

Biesecker Lab/Clinical Genomics Section, National Institutes of Health
Classification: Likely benign. Last evaluated: 2013-06-24. Review status: criteria provided, single submitter. Criteria: Ng et al. (Circ Cardiovasc Genet. 2013). Collection method: research. Allele origin: unknown. Observed: 2 variant alleles. Study: ClinSeq.
Comment: The study set was not selected for affection status in relation to any cancer. Pathogenicity categories were based on literature curation. See Pubmed ID:23861362 for details.

Medical sequencing

PreventionGenetics, part of Exact Sciences
Classification: Likely benign. Review status: criteria provided, single submitter. Criteria: ACMG Guidelines, 2015. Collection method: clinical testing. Allele origin: germline.

Literature cited by the submitters: PubMed 23396983 (cited by Women's Health and Genetics/Laboratory Corporation of America, LabCorp); PubMed 26516846 (cited by Women's Health and Genetics/Laboratory Corporation of America, LabCorp).